The following is an entry in ClinVar:

ClinVar aggregate classification (germline): Uncertain significance (1 of 4 stars; one submission).

Allele frequency attached by ClinVar (database versions not stated): gnomAD exomes below 0.00001.
gnomAD v4.1: 2 of 1,614,152 alleles (0.00012%); highest among the groups gnomAD compares: Non-Finnish European, 0.00017%; no homozygotes.

Submission:

Labcorp Genetics (formerly Invitae), Labcorp
Classification: Uncertain significance. Last evaluated: 2021-11-12. Review status: criteria provided, single submitter. Criteria: Invitae Variant Classification Sherloc (09022015). Collection method: clinical testing. Allele origin: germline.
Comment: This variant has not been reported in the literature in individuals affected with KMT2C-related conditions. This variant is not present in population databases (gnomAD no frequency). This sequence change replaces isoleucine, which is neutral and non-polar, with valine, which is neutral and non-polar, at codon 2958 of the KMT2C protein (p.Ile2958Val). Algorithms developed to predict the effect of missense changes on protein structure and function output the following: SIFT: "Tolerated"; PolyPhen-2: "Benign"; Align-GVGD: "Class C0". The valine amino acid residue is found in multiple mammalian species, which suggests that this missense change does not adversely affect protein function. In summary, the available evidence is currently insufficient to determine the role of this variant in disease. Therefore, it has been classified as a Variant of Uncertain Significance.

NM_170606.3(KMT2C):c.8872A>G (p.Ile2958Val)

Gene: KMT2C (lysine methyltransferase 2C; minus strand). Cytogenetic location: 7q36.1.
Variant type: single nucleotide variant.
Coding change: c.8872A>G on transcript NM_170606.3 (MANE Select); coding-DNA position 8872, A replaced by G.
Protein change: p.Ile2958Val; replaces isoleucine 2958 with valine.
Molecular consequence: missense variant.
Genome position (GRCh38, 1-based): chr7:152,176,581, T>C on the plus strand (A>G on the coding strand, the complement: KMT2C is on the minus strand). VCF-style: chr7-152176581-T-C. GRCh37 (hg19) VCF-style: chr7-151873666-T-C.
Other names: short protein forms I2958V.
Identifiers: ClinVar variation 1366651 (VCV001366651.6), dbSNP rs2129113290, ClinGen allele CA370077019.